The following is an entry in ClinVar:

NM_000059.4(BRCA2):c.3364G>A (p.Gly1122Arg)

Gene: BRCA2 (BRCA2 DNA repair associated; plus strand). Cytogenetic location: 13q13.1.
Variant type: single nucleotide variant.
Coding change: c.3364G>A on transcript NM_000059.4 (MANE Select); coding-DNA position 3364, G replaced by A.
Protein change: p.Gly1122Arg; replaces glycine 1122 with arginine.
Molecular consequence: missense variant.
Genome position (GRCh38, 1-based): chr13:32,337,719, G>A. VCF-style: chr13-32337719-G-A. GRCh37 (hg19) VCF-style: chr13-32911856-G-A.
Other names: short protein forms G1122R.
Identifiers: ClinVar variation 993206 (VCV000993206.10), dbSNP rs2072478647, ClinGen allele CA387776388.

ClinVar aggregate classification (germline): Conflicting classifications of pathogenicity. Review status: criteria provided, conflicting classifications (1 of 4 stars). 3 submissions from 3 submitters: Uncertain significance (2); Likely benign (1). Last evaluated 2023-03-23.

Conditions:
Hereditary cancer-predisposing syndrome. Also called: Neoplastic Syndromes, Hereditary; Hereditary Cancer Syndrome; Tumor predisposition; Hereditary neoplastic syndrome. Identifiers: Orphanet 140162, MedGen C0027672, MeSH D009386, MONDO:0015356.
Hereditary breast ovarian cancer syndrome. Also called: Hereditary breast and ovarian cancer; Hereditary breast and ovarian cancer syndrome; Breast and ovarian cancer; BRCA1- and BRCA2-Associated Hereditary Breast and Ovarian Cancer; Hereditary breast and/or ovarian cancer syndrome; Hereditary breast and ovarian cancer syndrome (HBOC). Identifiers: Orphanet 145, MedGen C0677776, MeSH D061325, MONDO:0003582. Disease mechanism: loss of function.

Submissions (3):

University of Washington Department of Laboratory Medicine, University of Washington
Classification: Likely benign for Hereditary cancer-predisposing syndrome. Last evaluated: 2023-03-23. Review status: criteria provided, single submitter. Criteria: Dines et al. (Genet Med. 2020). Collection method: curation. Allele origin: germline.
Comment: Missense variant in a coldspot region where missense variants are very unlikely to be pathogenic (PMID:31911673).

BRCA2 exon 11 coldspot. Reclassification based on statistical prior probability.

Labcorp Genetics (formerly Invitae), Labcorp
Classification: Uncertain significance for Hereditary breast ovarian cancer syndrome. Last evaluated: 2021-05-18. Review status: criteria provided, single submitter. Criteria: Invitae Variant Classification Sherloc (09022015). Collection method: clinical testing. Allele origin: germline.
Comment: In summary, the available evidence is currently insufficient to determine the role of this variant in disease. Therefore, it has been classified as a Variant of Uncertain Significance. Advanced modeling of protein sequence and biophysical properties (such as structural, functional, and spatial information, amino acid conservation, physicochemical variation, residue mobility, and thermodynamic stability) performed at Invitae indicates that this missense variant is not expected to disrupt BRCA2 protein function. This variant has not been reported in the literature in individuals with BRCA2-related conditions. ClinVar contains an entry for this variant (Variation ID: 993206). This variant is not present in population databases (ExAC no frequency). This sequence change replaces glycine with arginine at codon 1122 of the BRCA2 protein (p.Gly1122Arg). The glycine residue is moderately conserved and there is a moderate physicochemical difference between glycine and arginine.

Quest Diagnostics Nichols Institute San Juan Capistrano
Classification: Uncertain significance. Last evaluated: 2019-10-08. Review status: criteria provided, single submitter. Criteria: Quest Diagnostics criteria. Collection method: clinical testing. Allele origin: unknown.